The following is an entry in ClinVar:

ClinVar aggregate classification (germline): Uncertain significance (1 of 4 stars; one submission).

Conditions:
Hereditary nonpolyposis colorectal neoplasms. Identifiers: MedGen C0009405, MeSH D003123.

Submission:

Labcorp Genetics (formerly Invitae), Labcorp
Classification: Uncertain significance for Hereditary nonpolyposis colorectal neoplasms. Last evaluated: 2024-09-18. Review status: criteria provided, single submitter. Criteria: Invitae Variant Classification Sherloc (09022015). Collection method: clinical testing. Allele origin: germline.
Comment: This sequence change replaces arginine, which is basic and polar, with lysine, which is basic and polar, at codon 1342 of the MSH6 protein (p.Arg1342Lys). This variant is not present in population databases (gnomAD no frequency). This variant has not been reported in the literature in individuals affected with MSH6-related conditions. Invitae Evidence Modeling of protein sequence and biophysical properties (such as structural, functional, and spatial information, amino acid conservation, physicochemical variation, residue mobility, and thermodynamic stability) indicates that this missense variant is not expected to disrupt MSH6 protein function with a negative predictive value of 95%. In summary, the available evidence is currently insufficient to determine the role of this variant in disease. Therefore, it has been classified as a Variant of Uncertain Significance.

NM_000179.3(MSH6):c.4025G>A (p.Arg1342Lys)

Gene: MSH6 (mutS homolog 6; plus strand). Cytogenetic location: 2p16.3.
Variant type: single nucleotide variant.
Coding change: c.4025G>A on transcript NM_000179.3 (MANE Select); coding-DNA position 4025, G replaced by A.
Protein change: p.Arg1342Lys; replaces arginine 1342 with lysine.
Molecular consequence: missense variant. On other transcripts: 3 prime UTR variant (5), non-coding transcript variant (5).
Genome position (GRCh38, 1-based): chr2:47,806,802, G>A. VCF-style: chr2-47806802-G-A. GRCh37 (hg19) VCF-style: chr2-48033941-G-A.
Other names: c.3635G>A, p.Arg1212Lys (NM_001281492.2); c.3119G>A, p.Arg1040Lys (NM_001281493.2, NM_001281494.2, NM_001406823.1 and 6 more transcripts); c.4121G>A, p.Arg1374Lys (NM_001406795.1); c.4025G>A, p.Arg1342Lys (NM_001406796.1, NM_001406809.1); c.3728G>A, p.Arg1243Lys (NM_001406818.1, NM_001406819.1, NM_001406820.1 and 8 more transcripts); c.*6G>A (NM_001406822.1, NM_001406801.1, NM_001406802.1 and 1 more transcripts); c.3857G>A, p.Arg1286Lys (NM_001406826.1); c.806G>A, p.Arg269Lys (NM_001406831.1); and 9 more; short protein forms R1054K, R1167K, R1243K, R1284K, R1316K, R1342K, R1374K, R657K.
Identifiers: ClinVar variation 3633979 (VCV003633979.2).